The following is an entry in ClinVar:

NM_004415.4(DSP):c.600G>A (p.Ala200=)

Gene: DSP (desmoplakin; plus strand). Cytogenetic location: 6p24.3.
Variant type: single nucleotide variant.
Coding change: c.600G>A on transcript NM_004415.4 (MANE Select); coding-DNA position 600, G replaced by A.
Protein change: p.Ala200=; no amino-acid change (alanine 200 retained).
Molecular consequence: synonymous variant.
Genome position (GRCh38, 1-based): chr6:7,562,654, G>A. VCF-style: chr6-7562654-G-A. GRCh37 (hg19) VCF-style: chr6-7562887-G-A.
Other names: c.600G>A (LRG_423t1); c.600G>A, p.Ala200= (NM_001008844.3, NM_001319034.2).
Identifiers: ClinVar variation 534299 (VCV000534299.10), dbSNP rs748400605, ClinGen allele CA448515508.

ClinVar aggregate classification (germline): Conflicting classifications of pathogenicity. Review status: criteria provided, conflicting classifications (1 of 4 stars). 2 submissions from 2 submitters: Uncertain significance (1); Likely benign (1). Last evaluated 2025-06-23.

Conditions:
Cardiovascular phenotype. Identifiers: MedGen CN230736.
Arrhythmogenic cardiomyopathy with wooly hair and keratoderma. Also called: PALMOPLANTAR KERATODERMA WITH LEFT VENTRICULAR CARDIOMYOPATHY AND WOOLLY HAIR; Carvajal syndrome; Dilated cardiomyopathy with woolly hair and keratoderma; Arrhythmogenic cardiomyopathy with woolly hair and keratoderma. Identifiers: Orphanet 65282, MedGen C1854063, MONDO:0011581, OMIM 605676.
Arrhythmogenic right ventricular dysplasia 8 (ARVD8). Also called: Arrhythmogenic Right Ventricular Dysplasia/Cardiomyopathy 8; ARRHYTHMOGENIC RIGHT VENTRICULAR DYSPLASIA, FAMILIAL, 8; ARRHYTHMOGENIC RIGHT VENTRICULAR CARDIOMYOPATHY 8. Identifiers: MedGen C1843896, MONDO:0011831, OMIM 607450.

Allele frequency attached by ClinVar (database versions not stated): TOPMed 0.00001.
gnomAD v4.1: 7 of 1,614,122 alleles (0.00043%); highest among the groups gnomAD compares: Admixed American, 0.0017%; no homozygotes.

Submissions (2):

Ambry Genetics
Classification: Uncertain significance for Cardiovascular phenotype. Last evaluated: 2025-06-23. Review status: criteria provided, single submitter. Criteria: Ambry Variant Classification Scheme 2023. Collection method: clinical testing. Allele origin: germline.
Comment: The c.600G>A variant (also known as p.A200A), located in coding exon 5 of the DSP gene, results from a G to A substitution at nucleotide position 600. This nucleotide substitution does not change the amino acid at codon 200. This nucleotide position is not well conserved in available vertebrate species. In silico splice site analysis for this alteration is inconclusive. Based on the available evidence, the clinical significance of this variant remains unclear.

Labcorp Genetics (formerly Invitae), Labcorp
Classification: Likely benign for Arrhythmogenic cardiomyopathy with wooly hair and keratoderma; Arrhythmogenic right ventricular dysplasia 8. Last evaluated: 2023-04-24. Review status: criteria provided, single submitter. Criteria: Invitae Variant Classification Sherloc (09022015). Collection method: clinical testing. Allele origin: germline.